The following is an entry in ClinVar:

ClinVar aggregate classification (germline): Uncertain significance (1 of 4 stars; one submission).

Conditions:
Renal cell carcinoma. Identifiers: Orphanet 217071, MedGen C0007134, MeSH D002292, MONDO:0005086, HP:0005584.

Submission:

Labcorp Genetics (formerly Invitae), Labcorp
Classification: Uncertain significance for Renal cell carcinoma. Last evaluated: 2019-05-16. Review status: criteria provided, single submitter. Criteria: Invitae Variant Classification Sherloc (09022015). Collection method: clinical testing. Allele origin: germline.
Comment: In summary, the available evidence is currently insufficient to determine the role of this variant in disease. Therefore, it has been classified as a Variant of Uncertain Significance. This sequence change creates a premature translational stop signal (p.Gln1276*) in the MET gene. It is expected to result in an absent or disrupted protein product. This variant is not present in population databases (ExAC no frequency). This variant has not been reported in the literature in individuals with MET-related conditions. The current clinical and genetic evidence is not sufficient to establish whether loss-of-function variants in MET cause disease.

NM_000245.4(MET):c.3772C>T (p.Gln1258Ter)

Gene: MET (MET proto-oncogene, receptor tyrosine kinase; plus strand). Cytogenetic location: 7q31.2.
Variant type: single nucleotide variant.
Coding change: c.3772C>T on transcript NM_000245.4 (MANE Select); coding-DNA position 3772, C replaced by T.
Protein change: p.Gln1258Ter; replaces glutamine 1258 with a stop codon.
Molecular consequence: nonsense.
Genome position (GRCh38, 1-based): chr7:116,783,443, C>T. VCF-style: chr7-116783443-C-T. GRCh37 (hg19) VCF-style: chr7-116423497-C-T.
Other names: c.3826C>T, p.Gln1276Ter (NM_001127500.3); c.2482C>T, p.Gln828Ter (NM_001324402.2); short protein forms Q1258*, Q1276*, Q828*.
Identifiers: ClinVar variation 943360 (VCV000943360.7), dbSNP rs1795213262, ClinGen allele CA368991976.
Genomic context (GRCh38, chr7:116,783,443, plus strand): 5'-CACAACAAAACAGGTGCAAAGCTGCCAGTGAAGTGGATGGCTTTGGAAAGTCTGCAAACT[C>T]AAAAGTTTACCACCAAGTCAGATGTGGTAATGTATTGGTTATCTCTGAGTTTCTCCTCTT-3'